The following is an entry in ClinVar:

NM_001366385.1(CARD14):c.2192C>T (p.Ala731Val)

Genes: SGSH (N-sulfoglucosamine sulfohydrolase; minus strand), CARD14 (caspase recruitment domain family member 14; plus strand). Cytogenetic location: 17q25.3.
Variant type: single nucleotide variant.
Coding change: c.2192C>T on transcript NM_001366385.1 (MANE Select); coding-DNA position 2192, C replaced by T.
Protein change: p.Ala731Val; replaces alanine 731 with valine.
Molecular consequence: missense variant. On other transcripts: non-coding transcript variant (1).
Genome position (GRCh38, 1-based): chr17:80,202,393, C>T. VCF-style: chr17-80202393-C-T. GRCh37 (hg19) VCF-style: chr17-78176192-C-T.
Other names: c.2192C>T, p.Ala731Val (NM_001257970.1, NM_024110.4); short protein forms A731V.
Identifiers: ClinVar variation 1046148 (VCV001046148.9), dbSNP rs147578051, ClinGen allele CA8817203.

ClinVar aggregate classification (germline): Uncertain significance (1 of 4 stars; one submission).

Conditions:
Psoriasis 2. Identifiers: MedGen C1864497, MONDO:0011269, OMIM 602723.
Pityriasis rubra pilaris (PRP). Also called: Pityriasis rubra pilaris--familial type. Identifiers: Orphanet 2897, MedGen C0032027, MONDO:0100017, OMIM 173200, MONDO:0008251.

Allele frequency attached by ClinVar (database versions not stated): gnomAD 0.00005 and 0.00007; gnomAD exomes 0.00006; TOPMed 0.00007; ExAC 0.00008; ESP Exome Variant Server 0.00008; 1000 Genomes Project 0.00020; 1000 Genomes Project 30x 0.00031.
gnomAD v4.1: 94 of 1,612,948 alleles (0.0058%); highest among the groups gnomAD compares: Non-Finnish European, 0.0069%; no homozygotes.

Submission:

Labcorp Genetics (formerly Invitae), Labcorp
Classification: Uncertain significance for Pityriasis rubra pilaris; Psoriasis 2. Last evaluated: 2025-11-03. Review status: criteria provided, single submitter. Criteria: Invitae Variant Classification Sherloc (09022015). Collection method: clinical testing. Allele origin: germline.
Comment: This sequence change replaces alanine, which is neutral and non-polar, with valine, which is neutral and non-polar, at codon 731 of the CARD14 protein (p.Ala731Val). This variant is present in population databases (rs147578051, gnomAD 0.01%). This variant has not been reported in the literature in individuals affected with CARD14-related conditions. ClinVar contains an entry for this variant (Variation ID: 1046148). Invitae Evidence Modeling of protein sequence and biophysical properties (such as structural, functional, and spatial information, amino acid conservation, physicochemical variation, residue mobility, and thermodynamic stability) indicates that this missense variant is not expected to disrupt CARD14 protein function with a negative predictive value of 95%. In summary, the available evidence is currently insufficient to determine the role of this variant in disease. Therefore, it has been classified as a Variant of Uncertain Significance.